The following is an entry in ClinVar:

ClinVar aggregate classification (germline): Uncertain significance. Review status: criteria provided, multiple submitters, no conflicts (2 of 4 stars). 2 submissions from 2 submitters: Uncertain significance (2). Last evaluated 2025-03-03.

Conditions:
Multiple endocrine neoplasia type 4. Also called: MULTIPLE ENDOCRINE NEOPLASIA, TYPE IV. Identifiers: Orphanet 276152, MedGen C1970712, MONDO:0012552, OMIM 610755.
Hereditary cancer-predisposing syndrome. Also called: Neoplastic Syndromes, Hereditary; Hereditary Cancer Syndrome; Hereditary neoplastic syndrome; Tumor predisposition. Identifiers: Orphanet 140162, MedGen C0027672, MeSH D009386, MONDO:0015356.

Submissions (2):

Ambry Genetics
Classification: Uncertain significance for Hereditary cancer-predisposing syndrome. Last evaluated: 2025-03-03. Review status: criteria provided, single submitter. Criteria: Ambry Variant Classification Scheme 2023. Collection method: clinical testing. Allele origin: germline.
Comment: The p.A156G variant (also known as c.467C>G), located in coding exon 1 of the CDKN1B gene, results from a C to G substitution at nucleotide position 467. The alanine at codon 156 is replaced by glycine, an amino acid with similar properties. This amino acid position is conserved. In addition, this alteration is predicted to be tolerated by in silico analysis. Based on the available evidence, the clinical significance of this variant remains unclear.

Labcorp Genetics (formerly Invitae), Labcorp
Classification: Uncertain significance for Multiple endocrine neoplasia type 4. Last evaluated: 2024-05-29. Review status: criteria provided, single submitter. Criteria: Invitae Variant Classification Sherloc (09022015). Collection method: clinical testing. Allele origin: germline.
Comment: This sequence change replaces alanine, which is neutral and non-polar, with glycine, which is neutral and non-polar, at codon 156 of the CDKN1B protein (p.Ala156Gly). This variant is not present in population databases (gnomAD no frequency). This variant has not been reported in the literature in individuals affected with CDKN1B-related conditions. An algorithm developed to predict the effect of missense changes on protein structure and function (PolyPhen-2) suggests that this variant is likely to be tolerated. In summary, the available evidence is currently insufficient to determine the role of this variant in disease. Therefore, it has been classified as a Variant of Uncertain Significance.

NM_004064.5(CDKN1B):c.467C>G (p.Ala156Gly)

Gene: CDKN1B (cyclin dependent kinase inhibitor 1B; plus strand). Cytogenetic location: 12p13.1.
Variant type: single nucleotide variant.
Coding change: c.467C>G on transcript NM_004064.5 (MANE Select); coding-DNA position 467, C replaced by G.
Protein change: p.Ala156Gly; replaces alanine 156 with glycine.
Molecular consequence: missense variant.
Genome position (GRCh38, 1-based): chr12:12,718,306, C>G. VCF-style: chr12-12718306-C-G. GRCh37 (hg19) VCF-style: chr12-12871240-C-G.
Other names: c.467C>G (NM_004064.3); short protein forms A156G.
Identifiers: ClinVar variation 3719629 (VCV003719629.3).